The following is an entry in ClinVar:

ClinVar aggregate classification (germline): Conflicting classifications of pathogenicity. Review status: criteria provided, conflicting classifications (1 of 4 stars). 3 submissions from 3 submitters: Uncertain significance (2); Likely benign (1). Last evaluated 2023-12-07.

Conditions:
Ehlers-Danlos syndrome due to tenascin-X deficiency (EDSCLL1). Also called: EDS DUE TO TNX DEFICIENCY; EHLERS-DANLOS SYNDROME, CLASSIC-LIKE; Ehlers-Danlos syndrome, classic-like, 1; TNXB-Related Classical-Like Ehlers-Danlos Syndrome; TNX DEFICIENCY. Identifiers: Orphanet 230839, MedGen C1848029, MONDO:0011670, OMIM 606408.
Vesicoureteral reflux 8 (VUR8). Identifiers: Orphanet 289365, MedGen C4014831, MONDO:0014422, OMIM 615963.
Cardiovascular phenotype. Identifiers: MedGen CN230736.

Allele frequency attached by ClinVar (database versions not stated): gnomAD 0.00002; TOPMed 0.00002; gnomAD exomes 0.00004; ExAC 0.00015.
gnomAD v4.1: 35 of 1,583,856 alleles (0.0022%); highest among the groups gnomAD compares: Non-Finnish European, 0.0027%; no homozygotes.

Submissions (3):

Blueprint Genetics
Classification: Likely benign. Last evaluated: 2023-12-07. Review status: criteria provided, single submitter. Criteria: ACMG Guidelines, 2015. Collection method: clinical testing. Allele origin: germline.

Ambry Genetics
Classification: Uncertain significance for Cardiovascular phenotype. Last evaluated: 2021-12-21. Review status: criteria provided, single submitter. Criteria: Ambry Variant Classification Scheme 2023. Collection method: clinical testing. Allele origin: germline.
Comment: The c.2703C>T variant (also known as p.G901G), located in coding exon 5 of the TNXB gene, results from a C to T substitution at nucleotide position 2703. This nucleotide substitution does not change the glycine at codon 901. This nucleotide position is not well conserved in available vertebrate species. In silico splice site analysis for this alteration is inconclusive. Since supporting evidence is limited at this time, the clinical significance of this alteration remains unclear.

Center for Genomics, Ann and Robert H. Lurie Children's Hospital of Chicago
Classification: Uncertain significance for Ehlers-Danlos syndrome due to tenascin-X deficiency; Vesicoureteral reflux 8. Review status: criteria provided, single submitter. Criteria: ACMG Guidelines, 2015. Collection method: clinical testing. Allele origin: germline.
Comment: TNXB NM_019105.6 exon 6 p.Gly901= (c.2703C>T): This variant has not been reported in the literature but is present in 0.004% (3/68032) of European alleles in the Genome Aggregation Database. Evolutionary conservation and computational predictive tools for this variant are limited or unavailable. Of note, this variant is a silent variant and does not change the amino acid, reducing the probability that this variant is disease causing. In summary, data on this variant is insufficient for disease classification. Therefore, the clinical significance of this variant is uncertain.

NM_001365276.2(TNXB):c.2703C>T (p.Gly901=)

Gene: TNXB (tenascin XB; minus strand). Cytogenetic location: 6p21.33.
Variant type: single nucleotide variant.
Coding change: c.2703C>T on transcript NM_001365276.2 (MANE Select); coding-DNA position 2703, C replaced by T.
Protein change: p.Gly901=; no amino-acid change (glycine 901 retained).
Molecular consequence: synonymous variant.
Genome position (GRCh38, 1-based): chr6:32,088,861, G>A on the plus strand (C>T on the coding strand, the complement: TNXB is on the minus strand). VCF-style: chr6-32088861-G-A. GRCh37 (hg19) VCF-style: chr6-32056638-G-A.
Other names: c.2703C>T, p.Gly901= (NM_019105.8).
Identifiers: ClinVar variation 1675143 (VCV001675143.5), dbSNP rs759556629, ClinGen allele CA3735430.
Genomic context (GRCh38, chr6:32,088,861, plus strand): 5'-AGAAGCTGGGTAGCTGACTGCCCGGCCCCGCTCCGCTGTGACAGTCACCACATATTCTAC[G>A]CCTGGCATCAGGTCAGTCAGCAGCGTCCCGTCTGCTTCAGGGGGCACTTCCAGCCTCACC-3'
Protein context (NP_001352205.1, residues 891-911): DGTLLTDLMP[Gly901=]VEYVVTVTAE